The following is an entry in ClinVar:

NM_020184.4(CNNM4):c.187G>C (p.Asp63His)

Gene: CNNM4 (cyclin and CBS domain divalent metal cation transport mediator 4; plus strand). Cytogenetic location: 2q11.2.
Variant type: single nucleotide variant.
Coding change: c.187G>C on transcript NM_020184.4 (MANE Select); coding-DNA position 187, G replaced by C.
Protein change: p.Asp63His; replaces aspartic acid 63 with histidine.
Molecular consequence: missense variant.
Genome position (GRCh38, 1-based): chr2:96,761,186, G>C. VCF-style: chr2-96761186-G-C. GRCh37 (hg19) VCF-style: chr2-97426923-G-C.
Other names: c.187G>C (NM_020184.3); short protein forms D63H.
Identifiers: ClinVar variation 1056046 (VCV001056046.10), dbSNP rs748421182, ClinGen allele CA347711446.
Genomic context (GRCh38, chr2:96,761,186, plus strand): 5'-CAGGGCACGATCGTGGGCATGAGGCTGGCGAGCTGCAACAAGTCGTGTGGGACGAACCCG[G>C]ATGGCATCATCTTCGTGTCCGAGGGCAGCACCGTGAACCTGAGGCTGTACGGCTACAGCC-3'
Protein context (NP_064569.3, residues 53-73): SCNKSCGTNP[Asp63His]GIIFVSEGST

ClinVar aggregate classification (germline): Uncertain significance. Review status: criteria provided, multiple submitters, no conflicts (2 of 4 stars). 2 submissions from 2 submitters: Uncertain significance (2). Last evaluated 2022-11-08.

Conditions:
Inborn genetic diseases. Identifiers: MedGen C0950123, MeSH D030342.

gnomAD v4.1: 3 of 1,613,716 alleles (0.00019%); highest among the groups gnomAD compares: South Asian, 0.0033%; no homozygotes.

Submissions (2):

Ambry Genetics
Classification: Uncertain significance for Inborn genetic diseases. Last evaluated: 2022-11-08. Review status: criteria provided, single submitter. Criteria: Ambry Variant Classification Scheme 2023. Collection method: clinical testing. Allele origin: germline.

Labcorp Genetics (formerly Invitae), Labcorp
Classification: Uncertain significance. Last evaluated: 2021-06-24. Review status: criteria provided, single submitter. Criteria: Invitae Variant Classification Sherloc (09022015). Collection method: clinical testing. Allele origin: germline.
Comment: This variant has not been reported in the literature in individuals affected with CNNM4-related conditions. This sequence change replaces aspartic acid with histidine at codon 63 of the CNNM4 protein (p.Asp63His). The aspartic acid residue is weakly conserved and there is a moderate physicochemical difference between aspartic acid and histidine. In summary, the available evidence is currently insufficient to determine the role of this variant in disease. Therefore, it has been classified as a Variant of Uncertain Significance. Algorithms developed to predict the effect of missense changes on protein structure and function (SIFT, PolyPhen-2, Align-GVGD) all suggest that this variant is likely to be tolerated.